The following is an entry in ClinVar:

ClinVar aggregate classification (germline): Likely benign (0 of 4 stars; one submission).

Conditions:
PRKCD-related disorder. Also called: PRKCD-related condition.

Submission:

PreventionGenetics, part of Exact Sciences
Classification: Likely benign for PRKCD-related condition. Last evaluated: 2021-04-06. Review status: no assertion criteria provided. Collection method: clinical testing. Allele origin: germline.
Comment: This variant is classified as likely benign based on ACMG/AMP sequence variant interpretation guidelines (Richards et al. 2015 PMID: 25741868, with internal and published modifications).

NM_006254.4(PRKCD):c.495C>T (p.Phe165=)

Gene: PRKCD (protein kinase C delta; plus strand). Cytogenetic location: 3p21.1.
Variant type: single nucleotide variant.
Coding change: c.495C>T on transcript NM_006254.4 (MANE Select); coding-DNA position 495, C replaced by T.
Protein change: p.Phe165=; no amino-acid change (phenylalanine 165 retained).
Molecular consequence: synonymous variant.
Genome position (GRCh38, 1-based): chr3:53,181,562, C>T. VCF-style: chr3-53181562-C-T. GRCh37 (hg19) VCF-style: chr3-53215578-C-T.
Other names: c.495C>T, p.Phe165= (NM_001316327.2, NM_001354679.2, NM_001354680.2 and 1 more transcripts); c.552C>T, p.Phe184= (NM_001354676.2); c.543C>T, p.Phe181= (NM_001354678.2).
Identifiers: ClinVar variation 3051635 (VCV003051635.2), dbSNP rs2471085779, ClinGen allele CA433797804.
Genomic context (GRCh38, chr3:53,181,562, plus strand): 5'-CGGAGCCATCAAACAGGCCAAAATCCACTACATCAAGAACCATGAGTTTATCGCCACCTT[C>T]TTTGGGCAACCCACCTTCTGTTCTGTGTGCAAAGACTTTGTCTGGTGAGAACCGGCCATG-3'
Protein context (NP_006245.2, residues 155-175): YIKNHEFIAT[Phe165=]FGQPTFCSVC